The following is an entry in ClinVar:

NM_003823.4(TNFRSF6B):c.565C>G (p.His189Asp)

Genes: RTEL1-TNFRSF6B (RTEL1-TNFRSF6B readthrough (NMD candidate); plus strand), TNFRSF6B (TNF receptor superfamily member 6b; plus strand). Cytogenetic location: 20q13.33.
Variant type: single nucleotide variant.
Coding change: c.565C>G on transcript NM_003823.4 (MANE Select); coding-DNA position 565, C replaced by G.
Protein change: p.His189Asp; replaces histidine 189 with aspartic acid.
Molecular consequence: missense variant. On other transcripts: non-coding transcript variant (1).
Genome position (GRCh38, 1-based): chr20:63,697,468, C>G. VCF-style: chr20-63697468-C-G. GRCh37 (hg19) VCF-style: chr20-62328821-C-G.
Other names: short protein forms H189D.
Identifiers: ClinVar variation 2843138 (VCV002843138.3), dbSNP rs772160051, ClinGen allele CA409711713.
Genomic context (GRCh38, chr20:63,697,468, plus strand): 5'-CAGCCCCACCGCAACTGCACGGCCCTGGGCCTGGCCCTCAATGTGCCAGGCTCTTCCTCC[C>G]ATGACACCCTGTGCACCAGCTGCACTGGCTTCCCCCTCAGCACCAGGGTACCAGGTGAGC-3'
Protein context (NP_003814.1, residues 179-199): LALNVPGSSS[His189Asp]DTLCTSCTGF

ClinVar aggregate classification (germline): Uncertain significance (1 of 4 stars; one submission).

Allele frequency attached by ClinVar (database versions not stated): gnomAD exomes 0.00001.
gnomAD v4.1: 3 of 1,587,476 alleles (0.00019%); highest among the groups gnomAD compares: Non-Finnish European, 0.00026%; no homozygotes.

Submission:

Labcorp Genetics (formerly Invitae), Labcorp
Classification: Uncertain significance. Last evaluated: 2026-01-21. Review status: criteria provided, single submitter. Criteria: Invitae Variant Classification Sherloc (09022015). Collection method: clinical testing. Allele origin: germline.
Comment: This sequence change replaces histidine, which is basic and polar, with aspartic acid, which is acidic and polar, at codon 189 of the TNFRSF6B protein (p.His189Asp). This variant is not present in population databases (gnomAD no frequency). This variant has not been reported in the literature in individuals affected with TNFRSF6B-related conditions. ClinVar contains an entry for this variant (Variation ID: 2843138). An algorithm developed to predict the effect of missense changes on protein structure and function (PolyPhen-2) suggests that this variant is likely to be disruptive. In summary, the available evidence is currently insufficient to determine the role of this variant in disease. Therefore, it has been classified as a Variant of Uncertain Significance.